The following is an entry in ClinVar:

NM_000554.6(CRX):c.253-1G>T

Gene: CRX (cone-rod homeobox; plus strand). Cytogenetic location: 19q13.33.
Variant type: single nucleotide variant.
Coding change: c.253-1G>T on transcript NM_000554.6 (MANE Select); the canonical splice acceptor site of the intron before coding-DNA position 253, G replaced by T.
Molecular consequence: splice acceptor variant.
Genome position (GRCh38, 1-based): chr19:47,839,319, G>T. VCF-style: chr19-47839319-G-T. GRCh37 (hg19) VCF-style: chr19-48342576-G-T.
Identifiers: ClinVar variation 2023817 (VCV002023817.4), dbSNP rs1236144990, ClinGen allele CA406630238.

ClinVar aggregate classification (germline): Uncertain significance (1 of 4 stars; one submission).

Conditions:
Leber congenital amaurosis 7 (LCA7). Identifiers: Orphanet 65, MedGen C3151192, MONDO:0013449, OMIM 613829.
Cone-rod dystrophy 2 (CORD2). Also called: CONE-ROD RETINAL DYSTROPHY; Cone-rod retinal dystrophy 2. Identifiers: Orphanet 1872, MedGen C3489532, MONDO:0007362, OMIM 120970.

Submission:

Labcorp Genetics (formerly Invitae), Labcorp
Classification: Uncertain significance for Cone-rod dystrophy 2; Leber congenital amaurosis 7. Last evaluated: 2022-08-22. Review status: criteria provided, single submitter. Criteria: Invitae Variant Classification Sherloc (09022015). Collection method: clinical testing. Allele origin: germline.
Comment: Variants that disrupt the consensus splice site are a relatively common cause of aberrant splicing (PMID: 17576681, 9536098). Algorithms developed to predict the effect of sequence changes on RNA splicing suggest that this variant may disrupt the consensus splice site. This sequence change falls in intron 3 of the CRX gene. It does not directly change the encoded amino acid sequence of the CRX protein. It affects a nucleotide within the consensus splice site. This variant is not present in population databases (gnomAD no frequency). This variant has not been reported in the literature in individuals affected with CRX-related conditions. In summary, the available evidence is currently insufficient to determine the role of this variant in disease. Therefore, it has been classified as a Variant of Uncertain Significance.

Literature cited by the submitters: PubMed 17576681; PubMed 9536098.